The following is an entry in ClinVar:

ClinVar aggregate classification (germline): Uncertain significance (1 of 4 stars; one submission).

Submission:

GeneDx
Classification: Uncertain significance. Last evaluated: 2024-12-30. Review status: criteria provided, single submitter. Criteria: GeneDx Variant Classification Process June 2021. Collection method: clinical testing. Allele origin: germline. Affected: yes.
Comment: Not observed at significant frequency in large population cohorts (gnomAD); In silico analysis supports that this missense variant has a deleterious effect on protein structure/function; Has not been previously published as pathogenic or benign to our knowledge

NM_014159.7(SETD2):c.4568G>A (p.Arg1523His)

Gene: SETD2 (SET domain containing 2, histone lysine methyltransferase; minus strand). Cytogenetic location: 3p21.31.
Variant type: single nucleotide variant.
Coding change: c.4568G>A on transcript NM_014159.7 (MANE Select); coding-DNA position 4568, G replaced by A.
Protein change: p.Arg1523His; replaces arginine 1523 with histidine.
Molecular consequence: missense variant. On other transcripts: non-coding transcript variant (1).
Genome position (GRCh38, 1-based): chr3:47,116,641, C>T on the plus strand (G>A on the coding strand, the complement: SETD2 is on the minus strand). VCF-style: chr3-47116641-C-T. GRCh37 (hg19) VCF-style: chr3-47158131-C-T.
Other names: c.4436G>A, p.Arg1479His (NM_001349370.3); short protein forms R1479H, R1523H.
Identifiers: ClinVar variation 3907716 (VCV003907716.1).
Genomic context (GRCh38, chr3:47,116,641, plus strand): 5'-ATAGAAGTGTTGAGCAAAAGCCGAGTATTCTAATTTACTTACCATTCAATCATGAGAAGA[C>T]GATTAAGACAATCTTCCCCACATGCTATTTCACCTTGAGCTCTTTCATCTTTAGAAAGAG-3'
Protein context (NP_054878.5, residues 1513-1533): EIACGEDCLN[Arg1523His]LLMIECSSRC